The following is an entry in ClinVar:

ClinVar aggregate classification (germline): Uncertain significance. Review status: criteria provided, multiple submitters, no conflicts (2 of 4 stars). 2 submissions from 2 submitters: Uncertain significance (2). Last evaluated 2023-05-26.

Conditions:
Congenital myasthenic syndrome 12 (CMS12). Also called: MYASTHENIC SYNDROME, CONGENITAL, WITH TUBULAR AGGREGATES 1; Myasthenia, congenital, 12, with tubular aggregates. Identifiers: Orphanet 353327, Orphanet 590, MedGen C3552335, MONDO:0012518, OMIM 610542.

Allele frequency attached by ClinVar (database versions not stated): gnomAD 0.00001; TOPMed 0.00001; gnomAD exomes below 0.00001.
gnomAD v4.1: 2 of 1,613,408 alleles (0.00012%); highest among the groups gnomAD compares: African/African-American, 0.0013%; no homozygotes.

Submissions (2):

GeneDx
Classification: Uncertain significance. Last evaluated: 2023-05-26. Review status: criteria provided, single submitter. Criteria: GeneDx Variant Classification Process June 2021. Collection method: clinical testing. Allele origin: germline. Affected: yes.
Comment: Not observed at significant frequency in large population cohorts (gnomAD); Missense variants in this gene are often considered pathogenic (HGMD); In silico analysis supports that this missense variant has a deleterious effect on protein structure/function; Has not been previously published as pathogenic or benign to our knowledge

Labcorp Genetics (formerly Invitae), Labcorp
Classification: Uncertain significance for Congenital myasthenic syndrome 12. Last evaluated: 2022-02-24. Review status: criteria provided, single submitter. Criteria: Invitae Variant Classification Sherloc (09022015). Collection method: clinical testing. Allele origin: germline.
Comment: Algorithms developed to predict the effect of missense changes on protein structure and function are either unavailable or do not agree on the potential impact of this missense change (SIFT: "Deleterious"; PolyPhen-2: "Possibly Damaging"; Align-GVGD: "Class C0"). In summary, the available evidence is currently insufficient to determine the role of this variant in disease. Therefore, it has been classified as a Variant of Uncertain Significance. This variant has not been reported in the literature in individuals affected with GFPT1-related conditions. This sequence change replaces isoleucine, which is neutral and non-polar, with asparagine, which is neutral and polar, at codon 334 of the GFPT1 protein (p.Ile334Asn). This variant is not present in population databases (gnomAD no frequency).

NM_001244710.2(GFPT1):c.1001T>A (p.Ile334Asn)

Gene: GFPT1 (glutamine--fructose-6-phosphate transaminase 1; minus strand). Cytogenetic location: 2p13.3.
Variant type: single nucleotide variant.
Coding change: c.1001T>A on transcript NM_001244710.2 (MANE Select); coding-DNA position 1001, T replaced by A.
Protein change: p.Ile334Asn; replaces isoleucine 334 with asparagine.
Molecular consequence: missense variant.
Genome position (GRCh38, 1-based): chr2:69,348,179, A>T on the plus strand (T>A on the coding strand, the complement: GFPT1 is on the minus strand). VCF-style: chr2-69348179-A-T. GRCh37 (hg19) VCF-style: chr2-69575311-A-T.
Other names: c.947T>A, p.Ile316Asn (NM_002056.4); c.947T>A (NM_002056.3); short protein forms I334N, I316N.
Identifiers: ClinVar variation 1471921 (VCV001471921.9), dbSNP rs1285177343, ClinGen allele CA347127574.
Genomic context (GRCh38, chr2:69,348,179, plus strand): 5'-ATATATTCTTTCCAGTAAGGACAGCAAGCTATAACATGACAAAAACTTTCACCCTTCATG[A>T]TCTGCTGGAGTTCCATCTGGAGTGTTTGCACAGCTCGTCCGGGGTGATCTCCTGCAGTTC-3'
Protein context (NP_001231639.1, residues 324-344): VQTLQMELQQ[Ile334Asn]MKGNFSSFMQ